The following is an entry in ClinVar:

NM_017802.4(DNAAF5):c.517_521dup (p.Leu175fs)

Genes: DNAAF5 (dynein axonemal assembly factor 5; plus strand), PRKAR1B (protein kinase cAMP-dependent type I regulatory subunit beta; minus strand), LOC129997731 (ATAC-STARR-seq lymphoblastoid silent region 17817; plus strand). Cytogenetic location: 7p22.3.
Variant type: Duplication.
Coding change: c.517_521dup on transcript NM_017802.4 (MANE Select); coding-DNA positions 517 to 521, 5 bases duplicated (TGCTC; older notation c.517_521dupTGCTC).
Protein change: p.Leu175fs; shifts the reading frame from leucine 175.
Molecular consequence: frameshift variant. On other transcripts: non-coding transcript variant (1), 5 prime UTR variant (1), intron variant (2).
Genome position (GRCh38, 1-based): chr7:727,237-727,241, TGCTC duplicated; duplicating any 5 consecutive bases within chr7:727,236-727,241 gives the same sequence; the c. name uses the placement nearest the transcript's 3' end. VCF-style (leftmost placement, unchanged base first): chr7-727235-G-GCTGCT. GRCh37 (hg19) VCF-style: chr7-766872-G-GCTGCT.
Other names: c.-53_-49dup (NM_001164760.2); c.-23+415_-23+419dup (NM_001164759.1); c.-23+350_-23+354dup (NM_001164758.2); short protein forms L175fs.
Identifiers: ClinVar variation 2099042 (VCV002099042.4), dbSNP rs2484006186, ClinGen allele CA2580076687.

ClinVar aggregate classification (germline): Pathogenic (1 of 4 stars; one submission).

Conditions:
Primary ciliary dyskinesia. Also called: Ciliary dyskinesia. Identifiers: Orphanet 244, MedGen C0008780, MONDO:0016575, HP:0012265.

Submission:

Labcorp Genetics (formerly Invitae), Labcorp
Classification: Pathogenic for Primary ciliary dyskinesia. Last evaluated: 2022-02-18. Review status: criteria provided, single submitter. Criteria: Invitae Variant Classification Sherloc (09022015). Collection method: clinical testing. Allele origin: germline.
Comment: This sequence change creates a premature translational stop signal (p.Leu175Alafs*36) in the DNAAF5 gene. It is expected to result in an absent or disrupted protein product. Loss-of-function variants in DNAAF5 are known to be pathogenic (PMID: 24307375, 25232951). This variant is not present in population databases (gnomAD no frequency). This variant has not been reported in the literature in individuals affected with DNAAF5-related conditions. For these reasons, this variant has been classified as Pathogenic.

Literature cited by the submitters: PubMed 24307375; PubMed 25232951.